The following is an entry in ClinVar:

ClinVar aggregate classification (germline): Benign (1 of 4 stars; one submission).

Allele frequency attached by ClinVar (database versions not stated): 1000 Genomes Project 30x 0.23532; 1000 Genomes Project 0.23802; TOPMed 0.29576; gnomAD 0.30237 and 0.30335.
gnomAD v4.1: 46,016 of 152,022 alleles (30%); highest among the groups gnomAD compares: Non-Finnish European, 38%; 7,734 homozygotes.

Submission:

GeneDx
Classification: Benign. Last evaluated: 2018-06-18. Review status: criteria provided, single submitter. Criteria: GeneDx Variant Classification (06012015). Collection method: clinical testing. Allele origin: germline. Affected: yes.
Comment: This variant is considered likely benign or benign based on one or more of the following criteria: it is a conservative change, it occurs at a poorly conserved position in the protein, it is predicted to be benign by multiple in silico algorithms, and/or has population frequency not consistent with disease.

NM_005476.7(GNE):c.1282-155C>T

Gene: GNE (glucosamine (UDP-N-acetyl)-2-epimerase/N-acetylmannosamine kinase; minus strand). Cytogenetic location: 9p13.3.
Variant type: single nucleotide variant.
Coding change: c.1282-155C>T on transcript NM_005476.7 (MANE Select); 155 bases into the intron before coding-DNA position 1282, C replaced by T.
Molecular consequence: intron variant.
Genome position (GRCh38, 1-based): chr9:36,223,657, G>A on the plus strand (C>T on the coding strand, the complement: GNE is on the minus strand). VCF-style: chr9-36223657-G-A. GRCh37 (hg19) VCF-style: chr9-36223654-G-A.
Other names: c.1105-155C>T (NM_001190388.2, NM_001374798.1); c.1375-155C>T (NM_001128227.3); c.952-155C>T (NM_001190384.3); c.1129-155C>T (NM_001374797.1); c.1282-155C>T (NM_001190383.3).
Identifiers: ClinVar variation 681755 (VCV000681755.1), dbSNP rs10758350, ClinGen allele CA13010957.